The following is an entry in ClinVar:

ClinVar aggregate classification (germline): Conflicting classifications of pathogenicity. Review status: criteria provided, conflicting classifications (1 of 4 stars). 2 submissions from 2 submitters: Uncertain significance (1); Likely benign (1). Last evaluated 2023-03-23.

Conditions:
Hereditary cancer-predisposing syndrome. Also called: Tumor predisposition; Hereditary Cancer Syndrome; Hereditary neoplastic syndrome; Neoplastic Syndromes, Hereditary. Identifiers: Orphanet 140162, MedGen C0027672, MeSH D009386, MONDO:0015356.
Hereditary breast ovarian cancer syndrome. Also called: Hereditary breast and ovarian cancer; BRCA1- and BRCA2-Associated Hereditary Breast and Ovarian Cancer; Hereditary breast and ovarian cancer syndrome; Hereditary breast and ovarian cancer syndrome (HBOC); Breast and ovarian cancer; Hereditary breast and/or ovarian cancer syndrome. Identifiers: Orphanet 145, MedGen C0677776, MeSH D061325, MONDO:0003582. Disease mechanism: loss of function.

Submissions (2):

University of Washington Department of Laboratory Medicine, University of Washington
Classification: Likely benign for Hereditary cancer-predisposing syndrome. Last evaluated: 2023-03-23. Review status: criteria provided, single submitter. Criteria: Dines et al. (Genet Med. 2020). Collection method: curation. Allele origin: germline.
Comment: Missense variant in a coldspot region where missense variants are very unlikely to be pathogenic (PMID:31911673).

BRCA1 coldspot (exon 11 using historical exon numbering). Reclassification based on statistical prior probability

Labcorp Genetics (formerly Invitae), Labcorp
Classification: Uncertain significance for Hereditary breast ovarian cancer syndrome. Last evaluated: 2021-05-19. Review status: criteria provided, single submitter. Criteria: Invitae Variant Classification Sherloc (09022015). Collection method: clinical testing. Allele origin: germline.
Comment: This sequence change replaces phenylalanine with cysteine at codon 721 of the BRCA1 protein (p.Phe721Cys). The phenylalanine residue is weakly conserved and there is a large physicochemical difference between phenylalanine and cysteine. This variant is not present in population databases (ExAC no frequency). This variant has not been reported in the literature in individuals with BRCA1-related conditions. Advanced modeling of protein sequence and biophysical properties (such as structural, functional, and spatial information, amino acid conservation, physicochemical variation, residue mobility, and thermodynamic stability) performed at Invitae indicates that this missense variant is not expected to disrupt BRCA1 protein function. In summary, the available evidence is currently insufficient to determine the role of this variant in disease. Therefore, it has been classified as a Variant of Uncertain Significance.

NM_007294.4(BRCA1):c.2162T>G (p.Phe721Cys)

Gene: BRCA1 (BRCA1 DNA repair associated; minus strand). Cytogenetic location: 17q21.31.
Variant type: single nucleotide variant.
Coding change: c.2162T>G on transcript NM_007294.4 (MANE Select); coding-DNA position 2162, T replaced by G.
Protein change: p.Phe721Cys; replaces phenylalanine 721 with cysteine.
Molecular consequence: missense variant. On other transcripts: intron variant (137).
Genome position (GRCh38, 1-based): chr17:43,093,369, A>C on the plus strand (T>G on the coding strand, the complement: BRCA1 is on the minus strand). VCF-style: chr17-43093369-A-C. GRCh37 (hg19) VCF-style: chr17-41245386-A-C.
Other names: c.2021T>G, p.Phe674Cys (NM_001407735.1, NM_001407736.1, NM_001407737.1 and 29 more transcripts); c.2018T>G, p.Phe673Cys (NM_001407740.1, NM_001407741.1, NM_001407742.1 and 20 more transcripts); c.2162T>G, p.Phe721Cys (NM_001407854.1, NM_001407858.1, NM_001407859.1 and 30 more transcripts); c.1958T>G, p.Phe653Cys (NM_001407875.1, NM_001407874.1); c.1952T>G, p.Phe651Cys (NM_001407879.1, NM_001407881.1, NM_001407882.1 and 13 more transcripts); c.1949T>G, p.Phe650Cys (NM_001407853.1, NM_001407571.1, NM_001407894.1 and 9 more transcripts); c.2159T>G, p.Phe720Cys (NM_001407860.1, NM_001407861.1, NM_001407587.1 and 22 more transcripts); c.1961T>G, p.Phe654Cys (NM_001407862.1); and 41 more; short protein forms F721C, F674C, F425C, F594C, F673C, F694C, F695C, F718C.
Identifiers: ClinVar variation 1481945 (VCV001481945.11), dbSNP rs2154396157, ClinGen allele CA10597679.